The following is an entry in ClinVar:

NM_001069.3(TUBB2A):c.12C>A (p.Ile4=)

Genes: TUBB2A (tubulin beta 2A class IIa; minus strand), LOC129995635 (ATAC-STARR-seq lymphoblastoid silent region 16846; plus strand). Cytogenetic location: 6p25.2.
Variant type: single nucleotide variant.
Coding change: c.12C>A on transcript NM_001069.3 (MANE Select); coding-DNA position 12, C replaced by A.
Protein change: p.Ile4=; no amino-acid change (isoleucine 4 retained).
Molecular consequence: synonymous variant. On other transcripts: 5 prime UTR variant (1).
Genome position (GRCh38, 1-based): chr6:3,157,452, G>T on the plus strand (C>A on the coding strand, the complement: TUBB2A is on the minus strand). VCF-style: chr6-3157452-G-T. GRCh37 (hg19) VCF-style: chr6-3157686-G-T.
Other names: c.-376C>A (NM_001310315.2).
Identifiers: ClinVar variation 515428 (VCV000515428.28), dbSNP rs149710614, ClinGen allele CA3619116.

ClinVar aggregate classification (germline): Likely benign. Review status: criteria provided, multiple submitters, no conflicts (2 of 4 stars). 5 submissions from 5 submitters: Likely benign (4). 1 of the submissions does not count toward it. Last evaluated 2025-12-19.

Conditions:
TUBB2A-related disorder. Also called: TUBB2A-related condition.

Allele frequency attached by ClinVar (database versions not stated): gnomAD 0.00010 and 0.00013; gnomAD exomes 0.00010 and 0.00024; TOPMed 0.00014; ESP Exome Variant Server 0.00015; ExAC 0.00025.
gnomAD v4.1: 340 of 1,543,108 alleles (0.022%); highest among the groups gnomAD compares: Non-Finnish European, 0.029%; 1 homozygote.

Submissions (5):

Labcorp Genetics (formerly Invitae), Labcorp
Classification: Likely benign. Last evaluated: 2025-12-19. Review status: criteria provided, single submitter. Criteria: Invitae Variant Classification Sherloc (09022015). Collection method: clinical testing. Allele origin: germline.

CeGaT Center for Human Genetics Tuebingen
Classification: Likely benign. Last evaluated: 2025-02-01. Review status: criteria provided, single submitter. Criteria: CeGaT Center For Human Genetics Tuebingen Variant Classification Criteria Version 2. Collection method: clinical testing. Allele origin: germline. Affected: yes. Observed: 1 variant allele.
Comment: TUBB2A: BP4, BP7

Blueprint Genetics
Classification: Likely benign. Last evaluated: 2024-09-20. Review status: criteria provided, single submitter. Criteria: ACMG Guidelines, 2015. Collection method: clinical testing. Allele origin: germline.

GeneDx
Classification: Likely benign. Last evaluated: 2021-05-26. Review status: criteria provided, single submitter. Criteria: GeneDx Variant Classification Process June 2021. Collection method: clinical testing. Allele origin: germline. Affected: yes.

PreventionGenetics, part of Exact Sciences
Classification: Likely benign for TUBB2A-related condition. Last evaluated: 2019-08-27. Review status: no assertion criteria provided. Collection method: clinical testing. Allele origin: germline. Not counted in ClinVar's aggregate classification.
Comment: This variant is classified as likely benign based on ACMG/AMP sequence variant interpretation guidelines (Richards et al. 2015 PMID: 25741868, with internal and published modifications).